The following is an entry in ClinVar:

NM_025000.4(DCAF17):c.322-20A>C

Gene: DCAF17 (DDB1 and CUL4 associated factor 17; plus strand). Cytogenetic location: 2q31.1.
Variant type: single nucleotide variant.
Coding change: c.322-20A>C on transcript NM_025000.4 (MANE Select); 20 bases into the intron before coding-DNA position 322, A replaced by C.
Molecular consequence: intron variant.
Genome position (GRCh38, 1-based): chr2:171,448,661, A>C. VCF-style: chr2-171448661-A-C. GRCh37 (hg19) VCF-style: chr2-172305171-A-C.
Other names: c.322-20A>C (NM_001164821.2, NM_025000.3).
Identifiers: ClinVar variation 1617873 (VCV001617873.12), dbSNP rs568712419, ClinGen allele CA1964628.
Genomic context (GRCh38, chr2:171,448,661, plus strand): 5'-CTATTTTCTTTGGACATTGATTACTGCAAATTGTTCATGGCCAAGCAGTTTCATTTTTAT[A>C]TCTCTCTTTTTTTTTTTAGGGAGATATACTTCCCAATTCATCAGATTATAAGTCCTCACT-3'

ClinVar aggregate classification (germline): Likely benign. Review status: criteria provided, single submitter (1 of 4 stars). 2 submissions from 2 submitters: Likely benign (1). 1 of the submissions does not count toward it. Last evaluated 2025-10-02.

Conditions:
DCAF17-related disorder. Also called: DCAF17-related condition.
Woodhouse-Sakati syndrome. Also called: EXTRAPYRAMIDAL DISORDER, PROGRESSIVE, WITH PRIMARY HYPOGONADISM, MENTAL RETARDATION, AND ALOPECIA; Hypogonadism, Alopecia, Diabetes Mellitus, Mental Retardation, and Extrapyramidal Syndrome; Hypogonadism, diabetes mellitus, alopecia, mental retardation and electrocardiographic abnormalities. Identifiers: Orphanet 3464, MedGen C0342286, MONDO:0009419, OMIM 241080.

Allele frequency attached by ClinVar (database versions not stated): gnomAD exomes 0.00001 and 0.00002; ExAC 0.00002; 1000 Genomes Project 0.00040.
gnomAD v4.1: 7 of 1,525,482 alleles (0.00046%); highest among the groups gnomAD compares: Non-Finnish European, 0.00061%; no homozygotes.

Submissions (2):

Labcorp Genetics (formerly Invitae), Labcorp
Classification: Likely benign for Woodhouse-Sakati syndrome. Last evaluated: 2025-10-02. Review status: criteria provided, single submitter. Criteria: Invitae Variant Classification Sherloc (09022015). Collection method: clinical testing. Allele origin: germline.

PreventionGenetics, part of Exact Sciences
Classification: Likely benign for DCAF17-related condition. Last evaluated: 2021-08-12. Review status: no assertion criteria provided. Collection method: clinical testing. Allele origin: germline. Not counted in ClinVar's aggregate classification.
Comment: This variant is classified as likely benign based on ACMG/AMP sequence variant interpretation guidelines (Richards et al. 2015 PMID: 25741868, with internal and published modifications).